The following is an entry in ClinVar:

NM_004281.4(BAG3):c.668C>T (p.Pro223Leu)

Gene: BAG3 (BAG cochaperone 3; plus strand). Cytogenetic location: 10q26.11.
Variant type: single nucleotide variant.
Coding change: c.668C>T on transcript NM_004281.4 (MANE Select); coding-DNA position 668, C replaced by T.
Protein change: p.Pro223Leu; replaces proline 223 with leucine.
Molecular consequence: missense variant.
Genome position (GRCh38, 1-based): chr10:119,672,415, C>T. VCF-style: chr10-119672415-C-T. GRCh37 (hg19) VCF-style: chr10-121431927-C-T.
Other names: short protein forms P223L.
Identifiers: ClinVar variation 938136 (VCV000938136.9), dbSNP rs754615028, ClinGen allele CA5716390.

ClinVar aggregate classification (germline): Uncertain significance (1 of 4 stars; one submission).

Conditions:
Myofibrillar myopathy 6. Identifiers: Orphanet 199340, MedGen C2751831, MONDO:0013061, OMIM 612954.
Dilated cardiomyopathy 1HH (CMD1HH). Identifiers: Orphanet 154, MedGen C3151293, MONDO:0013479, OMIM 613881.

gnomAD v4.1: 3 of 1,614,202 alleles (0.00019%); highest among the groups gnomAD compares: African/African-American, 0.0013%; no homozygotes.

Submission:

Labcorp Genetics (formerly Invitae), Labcorp
Classification: Uncertain significance for Dilated cardiomyopathy 1HH; Myofibrillar myopathy 6. Last evaluated: 2023-08-06. Review status: criteria provided, single submitter. Criteria: Invitae Variant Classification Sherloc (09022015). Collection method: clinical testing. Allele origin: germline.
Comment: An algorithm developed to predict the effect of missense changes on protein structure and function (PolyPhen-2) suggests that this variant is likely to be tolerated. In summary, the available evidence is currently insufficient to determine the role of this variant in disease. Therefore, it has been classified as a Variant of Uncertain Significance. ClinVar contains an entry for this variant (Variation ID: 938136). This sequence change replaces proline, which is neutral and non-polar, with leucine, which is neutral and non-polar, at codon 223 of the BAG3 protein (p.Pro223Leu). This variant is present in population databases (rs754615028, gnomAD 0.003%). This variant has not been reported in the literature in individuals affected with BAG3-related conditions.